The following is an entry in ClinVar:

NM_022662.4(ANAPC1):c.2566G>A (p.Gly856Arg)

Gene: ANAPC1 (anaphase promoting complex subunit 1; minus strand). Cytogenetic location: 2q13.
Variant type: single nucleotide variant.
Coding change: c.2566G>A on transcript NM_022662.4 (MANE Select); coding-DNA position 2566, G replaced by A.
Protein change: p.Gly856Arg; replaces glycine 856 with arginine.
Molecular consequence: missense variant.
Genome position (GRCh38, 1-based): chr2:111,831,345, C>T on the plus strand (G>A on the coding strand, the complement: ANAPC1 is on the minus strand). VCF-style: chr2-111831345-C-T. GRCh37 (hg19) VCF-style: chr2-112588922-C-T.
Other names: c.2566G>A (NM_022662.2); short protein forms G856R.
Identifiers: ClinVar variation 3025299 (VCV003025299.23), dbSNP rs145838393, ClinGen allele CA1830130.

ClinVar aggregate classification (germline): Likely benign. Review status: criteria provided, multiple submitters, no conflicts (2 of 4 stars). 2 submissions from 2 submitters: Likely benign (2). Last evaluated 2026-03-01.

Allele frequency attached by ClinVar (database versions not stated): 1000 Genomes Project 0.00040; 1000 Genomes Project 30x 0.00047; TOPMed 0.00246; ExAC 0.00281; gnomAD 0.00294; ESP Exome Variant Server 0.00384.
gnomAD v4.1: 6,820 of 1,611,924 alleles (0.42%); highest among the groups gnomAD compares: Non-Finnish European, 0.51%; 17 homozygotes.

Submissions (2):

CeGaT Center for Human Genetics Tuebingen
Classification: Likely benign. Last evaluated: 2026-03-01. Review status: criteria provided, single submitter. Criteria: CeGaT Center For Human Genetics Tuebingen Variant Classification Criteria Version 2. Collection method: clinical testing. Allele origin: germline. Affected: yes. Observed: 3 variant alleles.
Comment: ANAPC1: BP4, BS2

Ambry Genetics
Classification: Likely benign. Last evaluated: 2025-09-08. Review status: criteria provided, single submitter. Criteria: Ambry Variant Classification Scheme 2023. Collection method: clinical testing. Allele origin: germline.